The following is an entry in ClinVar:

ClinVar aggregate classification (germline): Uncertain significance (1 of 4 stars; one submission).

Submission:

Labcorp Genetics (formerly Invitae), Labcorp
Classification: Uncertain significance. Last evaluated: 2022-09-27. Review status: criteria provided, single submitter. Criteria: Invitae Variant Classification Sherloc (09022015). Collection method: clinical testing. Allele origin: germline.
Comment: Algorithms developed to predict the effect of missense changes on protein structure and function (SIFT, PolyPhen-2, Align-GVGD) all suggest that this variant is likely to be disruptive. This sequence change replaces glycine, which is neutral and non-polar, with arginine, which is basic and polar, at codon 1404 of the SI protein (p.Gly1404Arg). This variant is not present in population databases (gnomAD no frequency). This variant has not been reported in the literature in individuals affected with SI-related conditions. ClinVar contains an entry for this variant (Variation ID: 1373161). Algorithms developed to predict the effect of sequence changes on RNA splicing suggest that this variant may create or strengthen a splice site. In summary, the available evidence is currently insufficient to determine the role of this variant in disease. Therefore, it has been classified as a Variant of Uncertain Significance.

NM_001041.4(SI):c.4210G>A (p.Gly1404Arg)

Gene: SI (sucrase-isomaltase; minus strand). Cytogenetic location: 3q26.1.
Variant type: single nucleotide variant.
Coding change: c.4210G>A on transcript NM_001041.4 (MANE Select); coding-DNA position 4210, G replaced by A.
Protein change: p.Gly1404Arg; replaces glycine 1404 with arginine.
Molecular consequence: missense variant.
Genome position (GRCh38, 1-based): chr3:165,007,968, C>T on the plus strand (G>A on the coding strand, the complement: SI is on the minus strand). VCF-style: chr3-165007968-C-T. GRCh37 (hg19) VCF-style: chr3-164725756-C-T.
Other names: short protein forms G1404R.
Identifiers: ClinVar variation 1373161 (VCV001373161.8), dbSNP rs2108157103, ClinGen allele CA355033372.